The following is an entry in ClinVar:

ClinVar aggregate classification (germline): Uncertain significance (1 of 4 stars; one submission).

Conditions:
Primary immunodeficiency with post-measles-mumps-rubella vaccine viral infection. Also called: Immunodeficiency 44. Identifiers: Orphanet 431166, MedGen C4225260, MONDO:0014715, OMIM 616636.

Submission:

Labcorp Genetics (formerly Invitae), Labcorp
Classification: Uncertain significance for Primary immunodeficiency with post-measles-mumps-rubella vaccine viral infection. Last evaluated: 2022-05-29. Review status: criteria provided, single submitter. Criteria: Invitae Variant Classification Sherloc (09022015). Collection method: clinical testing. Allele origin: germline.
Comment: This variant is not present in population databases (gnomAD no frequency). This sequence change replaces lysine, which is basic and polar, with glutamic acid, which is acidic and polar, at codon 295 of the STAT2 protein (p.Lys295Glu). This variant has not been reported in the literature in individuals affected with STAT2-related conditions. Advanced modeling of protein sequence and biophysical properties (such as structural, functional, and spatial information, amino acid conservation, physicochemical variation, residue mobility, and thermodynamic stability) performed at Invitae indicates that this missense variant is not expected to disrupt STAT2 protein function. In summary, the available evidence is currently insufficient to determine the role of this variant in disease. Therefore, it has been classified as a Variant of Uncertain Significance.

NM_005419.4(STAT2):c.883A>G (p.Lys295Glu)

Gene: STAT2 (signal transducer and activator of transcription 2; minus strand). Cytogenetic location: 12q13.3.
Variant type: single nucleotide variant.
Coding change: c.883A>G on transcript NM_005419.4 (MANE Select); coding-DNA position 883, A replaced by G.
Protein change: p.Lys295Glu; replaces lysine 295 with glutamic acid.
Molecular consequence: missense variant.
Genome position (GRCh38, 1-based): chr12:56,351,350, T>C on the plus strand (A>G on the coding strand, the complement: STAT2 is on the minus strand). VCF-style: chr12-56351350-T-C. GRCh37 (hg19) VCF-style: chr12-56745134-T-C.
Other names: c.871A>G, p.Lys291Glu (NM_001385110.1, NM_001385115.1, NM_198332.2); c.883A>G, p.Lys295Glu (NM_001385111.1, NM_001385113.1, NM_001385114.1); short protein forms K291E, K295E.
Identifiers: ClinVar variation 2000740 (VCV002000740.4), dbSNP rs2547256969, ClinGen allele CA385262291.
Genomic context (GRCh38, chr12:56,351,350, plus strand): 5'-ACCTGTGGAGCAGACGCTGTAGCAACTCTGTGACCTGGGCGTTGCGTAGGTCCACCCCTT[T>C]GGTCAGAGGGTCATCCTGATAGCTAACCAGGCAACTCAGTCCCTTCAGCTCCTTCAGCAG-3'
Protein context (NP_005410.1, residues 285-305): LVSYQDDPLT[Lys295Glu]GVDLRNAQVT